The following is an entry in ClinVar:

NM_201384.3(PLEC):c.1586T>C (p.Leu529Pro)

Gene: PLEC (plectin; minus strand). Cytogenetic location: 8q24.3.
Variant type: single nucleotide variant.
Coding change: c.1586T>C on transcript NM_201384.3 (MANE Select); coding-DNA position 1586, T replaced by C.
Protein change: p.Leu529Pro; replaces leucine 529 with proline.
Molecular consequence: missense variant.
Genome position (GRCh38, 1-based): chr8:143,932,944, A>G on the plus strand (T>C on the coding strand, the complement: PLEC is on the minus strand). VCF-style: chr8-143932944-A-G. GRCh37 (hg19) VCF-style: chr8-145007112-A-G.
Other names: c.1667T>C, p.Leu556Pro (NM_001410941.1, NM_000445.5); c.1544T>C, p.Leu515Pro (NM_201378.4); c.1520T>C, p.Leu507Pro (NM_201379.3); c.1997T>C, p.Leu666Pro (NM_201380.4); c.1490T>C, p.Leu497Pro (NM_201381.3); c.1586T>C, p.Leu529Pro (NM_201382.4); c.1598T>C, p.Leu533Pro (NM_201383.3); short protein forms L497P, L507P, L515P, L529P, L533P, L556P, L666P.
Identifiers: ClinVar variation 3752952 (VCV003752952.2).

ClinVar aggregate classification (germline): Uncertain significance (1 of 4 stars; one submission).

Conditions:
Epidermolysis bullosa simplex with nail dystrophy (EBS5D). Identifiers: MedGen C4225309, MONDO:0014661, OMIM 616487.
Epidermolysis bullosa simplex, Ogna type (EBS5A). Also called: Pidermolysis bullosa simplex 5A, Ogna type; EPIDERMOLYSIS BULLOSA SIMPLEX 5A, OGNA TYPE. Identifiers: Orphanet 79401, MedGen C0432317, MONDO:0007555, OMIM 131950.
Autosomal recessive limb-girdle muscular dystrophy type 2Q (LGMDR17). Also called: MUSCULAR DYSTROPHY, LIMB-GIRDLE, AUTOSOMAL RECESSIVE 17. Identifiers: Orphanet 254361, MedGen C3150989, MONDO:0013390, OMIM 613723.
Epidermolysis bullosa simplex 5B, with muscular dystrophy (EBS5B). Also called: EPIDERMOLYSIS BULLOSA SIMPLEX AND LIMB-GIRDLE MUSCULAR DYSTROPHY; Epidermolysis bullosa simplex with muscular dystrophy. Identifiers: Orphanet 257, MedGen C2931072, MONDO:0009181, OMIM 226670.
Epidermolysis bullosa simplex 5C, with pyloric atresia (EBS5C). Also called: PLEC-Related Epidermolysis Bullosa with Pyloric Atresia; Epidermolysis bullosa simplex with pyloric atresia; PLEC1-Related Epidermolysis Bullosa with Pyloric Atresia. Identifiers: Orphanet 158684, MedGen C2677349, MONDO:0012807, OMIM 612138.

gnomAD v4.1: 21 of 1,612,562 alleles (0.0013%); highest among the groups gnomAD compares: East Asian, 0.04%; no homozygotes.

Submission:

Labcorp Genetics (formerly Invitae), Labcorp
Classification: Uncertain significance for Autosomal recessive limb-girdle muscular dystrophy type 2Q; Epidermolysis bullosa simplex, Ogna type; Epidermolysis bullosa simplex with nail dystrophy; Epidermolysis bullosa simplex 5C, with pyloric atresia; Epidermolysis bullosa simplex 5B, with muscular dystrophy. Last evaluated: 2024-07-21. Review status: criteria provided, single submitter. Criteria: Invitae Variant Classification Sherloc (09022015). Collection method: clinical testing. Allele origin: germline.
Comment: This sequence change replaces leucine, which is neutral and non-polar, with proline, which is neutral and non-polar, at codon 556 of the PLEC protein (p.Leu556Pro). This variant is present in population databases (rs782519229, gnomAD 0.02%). This variant has not been reported in the literature in individuals affected with PLEC-related conditions. Advanced modeling of protein sequence and biophysical properties (such as structural, functional, and spatial information, amino acid conservation, physicochemical variation, residue mobility, and thermodynamic stability) performed at Invitae indicates that this missense variant is not expected to disrupt PLEC protein function with a negative predictive value of 80%. In summary, the available evidence is currently insufficient to determine the role of this variant in disease. Therefore, it has been classified as a Variant of Uncertain Significance.